The following is an entry in ClinVar:

NM_003705.5(SLC25A12):c.436_438del (p.Asn146del)

Gene: SLC25A12 (solute carrier family 25 member 12; minus strand). Cytogenetic location: 2q31.1.
Variant type: Deletion.
Coding change: c.436_438del on transcript NM_003705.5 (MANE Select); coding-DNA positions 436 to 438, 3 bases deleted (AAC; older notation c.436_438delAAC).
Protein change: p.Asn146del; deletes asparagine 146.
Molecular consequence: inframe deletion. On other transcripts: non-coding transcript variant (1).
Genome position (GRCh38, 1-based): chr2:171,844,396-171,844,398, GTT deleted on the plus strand (AAC on the coding strand, the reverse complement: SLC25A12 is on the minus strand). VCF-style (leftmost placement, unchanged base first): chr2-171844395-AGTT-A. GRCh37 (hg19) VCF-style: chr2-172700905-AGTT-A.
Other names: short protein forms N146del.
Identifiers: ClinVar variation 652096 (VCV000652096.10), dbSNP rs1573977050, ClinGen allele CA915942141.

ClinVar aggregate classification (germline): Uncertain significance (1 of 4 stars; one submission).

Submission:

Labcorp Genetics (formerly Invitae), Labcorp
Classification: Uncertain significance. Last evaluated: 2022-06-29. Review status: criteria provided, single submitter. Criteria: Invitae Variant Classification Sherloc (09022015). Collection method: clinical testing. Allele origin: germline.
Comment: In summary, the available evidence is currently insufficient to determine the role of this variant in disease. Therefore, it has been classified as a Variant of Uncertain Significance. Experimental studies and prediction algorithms are not available or were not evaluated, and the functional significance of this variant is currently unknown. ClinVar contains an entry for this variant (Variation ID: 652096). This variant has not been reported in the literature in individuals affected with SLC25A12-related conditions. This variant is not present in population databases (gnomAD no frequency). This variant, c.436_438del, results in the deletion of 1 amino acid(s) of the SLC25A12 protein (p.Asn146del), but otherwise preserves the integrity of the reading frame.